The following is an entry in ClinVar:

NM_000077.5(CDKN2A):c.284T>A (p.Val95Glu)

Gene: CDKN2A (cyclin dependent kinase inhibitor 2A; minus strand). Cytogenetic location: 9p21.3.
Variant type: single nucleotide variant.
Coding change: c.284T>A on transcript NM_000077.5; coding-DNA position 284, T replaced by A.
Protein change: p.Val95Glu; replaces valine 95 with glutamic acid.
Molecular consequence: missense variant (on NM_000077.6). On other transcripts: synonymous variant (1), 3 prime UTR variant (1).
Genome position (GRCh38, 1-based): chr9:21,971,075, A>T on the plus strand (T>A on the coding strand, the complement: CDKN2A is on the minus strand). VCF-style: chr9-21971075-A-T. GRCh37 (hg19) VCF-style: chr9-21971074-A-T.
Other names: c.284T>A, p.Val95Glu (NM_000077.6, NM_001195132.2); c.131T>A, p.Val44Glu (NM_001363763.2); c.327T>A, p.Gly109= (NM_058195.4); c.*207T>A (NM_058197.5); short protein forms V44E, V95E.
Identifiers: ClinVar variation 1796819 (VCV001796819.4), dbSNP rs2489275190, ClinGen allele CA373086147.

ClinVar aggregate classification (germline): Uncertain significance. Review status: criteria provided, multiple submitters, no conflicts (2 of 4 stars). 2 submissions from 2 submitters: Uncertain significance (2). Last evaluated 2025-03-30.

Conditions:
Familial melanoma. Also called: Hereditary melanoma; Hereditary cutaneous melanoma. Identifiers: Orphanet 618, MedGen C1512419, MONDO:0018961.
Hereditary cancer-predisposing syndrome. Also called: Hereditary neoplastic syndrome; Neoplastic Syndromes, Hereditary; Tumor predisposition; Hereditary Cancer Syndrome. Identifiers: Orphanet 140162, MedGen C0027672, MeSH D009386, MONDO:0015356.

Submissions (2):

Labcorp Genetics (formerly Invitae), Labcorp
Classification: Uncertain significance for Familial melanoma. Last evaluated: 2025-03-30. Review status: criteria provided, single submitter. Criteria: Invitae Variant Classification Sherloc (09022015). Collection method: clinical testing. Allele origin: germline.
Comment: This sequence change replaces valine, which is neutral and non-polar, with glutamic acid, which is acidic and polar, at codon 95 of the CDKN2A (p16INK4a) protein (p.Val95Glu). This variant is not present in population databases (gnomAD no frequency). This missense change has been observed in individual(s) with pancreatic cancer (PMID: 12454511). ClinVar contains an entry for this variant (Variation ID: 1796819). An algorithm developed to predict the effect of missense changes on protein structure and function (PolyPhen-2) suggests that this variant is likely to be tolerated. In summary, the available evidence is currently insufficient to determine the role of this variant in disease. Therefore, it has been classified as a Variant of Uncertain Significance.

Ambry Genetics
Classification: Uncertain significance for Hereditary cancer-predisposing syndrome. Last evaluated: 2025-01-14. Review status: criteria provided, single submitter. Criteria: Ambry Variant Classification Scheme 2023. Collection method: clinical testing. Allele origin: germline.
Comment: The p.V95E variant (also known as c.284T>A), located in coding exon 2 of the CDKN2A gene, results from a T to A substitution at nucleotide position 284. The valine at codon 95 is replaced by glutamic acid, an amino acid with dissimilar properties. In a computational study utilizing a Bayesian method to combine multiple data types, this alteration was classified as having unknown functional consequence with cumulative odds of pathogenicity of 0.018 (Miller PJ et al. Hum Mutat. 2011 Aug;32:900-11). This amino acid position is not well conserved in available vertebrate species. In addition, the in silico prediction for this alteration is inconclusive. Of note, this alteration is also known as c.327T>A in the p14(ARF) isoform. Since supporting evidence is limited at this time, the clinical significance of this alteration remains unclear.

Literature cited by the submitters: PubMed 12454511 (cited by Labcorp Genetics (formerly Invitae), Labcorp and Ambry Genetics); PubMed 21462282 (cited by Ambry Genetics).